The following is an entry in ClinVar:

NM_021023.6(CFHR3):c.613+9T>A

Gene: CFHR3 (complement factor H related 3; plus strand). Cytogenetic location: 1q31.3.
Variant type: single nucleotide variant.
Coding change: c.613+9T>A on transcript NM_021023.6 (MANE Select); 9 bases into the intron after coding-DNA position 613, T replaced by A.
Molecular consequence: intron variant.
Genome position (GRCh38, 1-based): chr1:196,788,407, T>A. VCF-style: chr1-196788407-T-A. GRCh37 (hg19) VCF-style: chr1-196757537-T-A.
Other names: p.?; c.431-1638T>A (NM_001166624.2).
Identifiers: ClinVar variation 4683939 (VCV004683939.1).

ClinVar aggregate classification (germline): Likely benign (1 of 4 stars; one submission).

gnomAD v4.1: 6 of 1,527,486 alleles (0.00039%); highest among the groups gnomAD compares: Admixed American, 0.0035%; no homozygotes.

Submission:

Mayo Clinic Laboratories, Mayo Clinic
Classification: Likely benign. Last evaluated: 2025-10-23. Review status: criteria provided, single submitter. Criteria: ACMG Guidelines, 2015. Collection method: clinical testing. Allele origin: germline. Observed: 2 variant alleles.
Comment: BP4, BP7, PM2_supporting